The following is an entry in ClinVar:

ClinVar aggregate classification (germline): Pathogenic. Review status: criteria provided, multiple submitters, no conflicts (2 of 4 stars). 2 submissions from 2 submitters: Pathogenic (2). Last evaluated 2021-12-17.

Conditions:
Familial cancer of breast. Also called: BREAST CANCER, FAMILIAL; Hereditary breast cancer; hereditary breast carcinoma. Identifiers: Orphanet 227535, MedGen C0346153, MONDO:0016419, OMIM 114480. Disease mechanism: loss of function.
Hereditary cancer-predisposing syndrome. Also called: Neoplastic Syndromes, Hereditary; Tumor predisposition; Hereditary Cancer Syndrome; Hereditary neoplastic syndrome. Identifiers: Orphanet 140162, MedGen C0027672, MeSH D009386, MONDO:0015356.

Submissions (2):

Labcorp Genetics (formerly Invitae), Labcorp
Classification: Pathogenic for Familial cancer of breast. Last evaluated: 2021-12-17. Review status: criteria provided, single submitter. Criteria: Invitae Variant Classification Sherloc (09022015). Collection method: clinical testing. Allele origin: germline.
Comment: For these reasons, this variant has been classified as Pathogenic. ClinVar contains an entry for this variant (Variation ID: 920082). This premature translational stop signal has been observed in individual(s) with breast cancer (PMID: 28724667). This variant is not present in population databases (gnomAD no frequency). This sequence change creates a premature translational stop signal (p.Glu13*) in the PALB2 gene. It is expected to result in an absent or disrupted protein product. Loss-of-function variants in PALB2 are known to be pathogenic (PMID: 17200668, 17200671, 17200672, 24136930, 25099575).

Color Diagnostics, LLC DBA Color Health
Classification: Pathogenic for Hereditary cancer-predisposing syndrome. Last evaluated: 2020-01-15. Review status: criteria provided, single submitter. Criteria: ACMG Guidelines, 2015. Collection method: clinical testing. Allele origin: germline.
Comment: This variant changes 1 nucleotide in exon 1 of the PALB2 gene, creating a premature translation stop signal. This variant is expected to result in an absent or non-functional protein product. This variant has not been identified in the general population by the Genome Aggregation Database (gnomAD). Loss of PALB2 function is a known mechanism of disease. Based on the available evidence, this variant is classified as Pathogenic.

Literature cited by the submitters: PubMed 28724667 (cited by Labcorp Genetics (formerly Invitae), Labcorp); PubMed 17200668 (cited by Labcorp Genetics (formerly Invitae), Labcorp); PubMed 17200671 (cited by Labcorp Genetics (formerly Invitae), Labcorp); PubMed 17200672 (cited by Labcorp Genetics (formerly Invitae), Labcorp); PubMed 24136930 (cited by Labcorp Genetics (formerly Invitae), Labcorp); PubMed 25099575 (cited by Labcorp Genetics (formerly Invitae), Labcorp).

NM_024675.4(PALB2):c.37G>T (p.Glu13Ter)

Gene: PALB2 (partner and localizer of BRCA2; minus strand). Cytogenetic location: 16p12.2.
Variant type: single nucleotide variant.
Coding change: c.37G>T on transcript NM_024675.4 (MANE Select); coding-DNA position 37, G replaced by T.
Protein change: p.Glu13Ter; replaces glutamic acid 13 with a stop codon.
Molecular consequence: nonsense.
Genome position (GRCh38, 1-based): chr16:23,641,121, C>A on the plus strand (G>T on the coding strand, the complement: PALB2 is on the minus strand). VCF-style: chr16-23641121-C-A. GRCh37 (hg19) VCF-style: chr16-23652442-C-A.
Other names: short protein forms E13*.
Identifiers: ClinVar variation 920082 (VCV000920082.8), dbSNP rs373287455, ClinGen allele CA395141056.